The following is an entry in ClinVar:

ClinVar aggregate classification (germline): Uncertain significance. Review status: criteria provided, multiple submitters, no conflicts (2 of 4 stars). 2 submissions from 2 submitters: Uncertain significance (2). Last evaluated 2025-10-28.

Conditions:
Dilated cardiomyopathy 1JJ (CMD1JJ). Identifiers: Orphanet 154, MedGen C3808935, MONDO:0014095, OMIM 615235.
Cardiovascular phenotype. Identifiers: MedGen CN230736.

Submissions (2):

Labcorp Genetics (formerly Invitae), Labcorp
Classification: Uncertain significance for Dilated cardiomyopathy 1JJ. Last evaluated: 2025-10-28. Review status: criteria provided, single submitter. Criteria: Invitae Variant Classification Sherloc (09022015). Collection method: clinical testing. Allele origin: germline.
Comment: This variant, c.57_59dup, results in the insertion of 1 amino acid(s) of the LAMA4 protein (p.Ala20dup), but otherwise preserves the integrity of the reading frame. This variant is present in population databases (no rsID available, gnomAD 0.01%). This variant has not been reported in the literature in individuals affected with LAMA4-related conditions. ClinVar contains an entry for this variant (Variation ID: 1408504). Experimental studies and prediction algorithms are not available or were not evaluated, and the functional significance of this variant is currently unknown. In summary, the available evidence is currently insufficient to determine the role of this variant in disease. Therefore, it has been classified as a Variant of Uncertain Significance.

Ambry Genetics
Classification: Uncertain significance for Cardiovascular phenotype. Last evaluated: 2023-02-13. Review status: criteria provided, single submitter. Criteria: Ambry Variant Classification Scheme 2023. Collection method: clinical testing. Allele origin: germline.
Comment: The c.57_59dupTGC variant (also known as p.A20dup), located in coding exon 1 of the LAMA4 gene, results from an in-frame duplication of TGC at nucleotide positions 57 to 59. This results in the duplication of an extra residue between codons 20 and 21. This amino acid position is not well conserved in available vertebrate species. In addition, this alteration is predicted to be neutral by in silico analysis (Choi Y et al. PLoS ONE. 2012; 7(10):e46688). The evidence for this gene-disease relationship is limited; therefore, the clinical significance of this alteration is unclear.

NM_001105206.3(LAMA4):c.57_59dup (p.Ala20dup)

Genes: LAMA4 (laminin subunit alpha 4; minus strand), LAMA4-AS1 (LAMA4 antisense RNA 1; plus strand). Cytogenetic location: 6q21.
Variant type: Duplication.
Coding change: c.57_59dup on transcript NM_001105206.3 (MANE Select); coding-DNA positions 57 to 59, 3 bases duplicated (TGC; older notation c.57_59dupTGC).
Protein change: p.Ala20dup; duplicates alanine 20.
Molecular consequence: inframe insertion.
Genome position (GRCh38, 1-based): chr6:112,254,092-112,254,094, GCA duplicated on the plus strand (TGC on the coding strand, the reverse complement: LAMA4 is on the minus strand); duplicating any 3 consecutive bases within chr6:112,254,092-112,254,096 gives the same sequence; the c. name uses the placement nearest the transcript's 3' end. VCF-style (leftmost placement, unchanged base first): chr6-112254091-G-GGCA. GRCh37 (hg19) VCF-style: chr6-112575293-G-GGCA.
Other names: c.57_59dup, p.Ala20dup (NM_001105207.3, NM_001105208.3, NM_001105209.3 and 1 more transcripts); c.57_59dupTGC (NM_002290.3).
Identifiers: ClinVar variation 1408504 (VCV001408504.7), dbSNP rs1284404549, ClinGen allele CA570039520.